The following is an entry in ClinVar:

NM_001130144.3(LTBP3):c.2917G>A (p.Asp973Asn)

Gene: LTBP3 (latent transforming growth factor beta binding protein 3; minus strand). Cytogenetic location: 11q13.1.
Variant type: single nucleotide variant.
Coding change: c.2917G>A on transcript NM_001130144.3 (MANE Select); coding-DNA position 2917, G replaced by A.
Protein change: p.Asp973Asn; replaces aspartic acid 973 with asparagine.
Molecular consequence: missense variant.
Genome position (GRCh38, 1-based): chr11:65,540,931, C>T on the plus strand (G>A on the coding strand, the complement: LTBP3 is on the minus strand). VCF-style: chr11-65540931-C-T. GRCh37 (hg19) VCF-style: chr11-65308402-C-T.
Other names: c.2566G>A, p.Asp856Asn (NM_001164266.1); c.2917G>A, p.Asp973Asn (NM_021070.4); short protein forms D973N, D856N.
Identifiers: ClinVar variation 2916098 (VCV002916098.3), dbSNP rs1590761215, ClinGen allele CA381268088.
Genomic context (GRCh38, chr11:65,540,931, plus strand): 5'-CACGGTGGGCTGGGATGCCGTAGTTGACGATGTTGTTGTCCTGGGTGTAGCCCTTTCCGT[C>T]TGGGCAGAGGCTGTGGAACTCGGCTGCAGGGGCAGGGCGGCCGTGGGGAGGGAAGAGGCA-3'
Protein context (NP_001123616.1, residues 963-983): SSAEFHSLCP[Asp973Asn]GKGYTQDNNI

ClinVar aggregate classification (germline): Uncertain significance (1 of 4 stars; one submission).

Conditions:
Brachyolmia-amelogenesis imperfecta syndrome. Also called: PLATYSPONDYLY WITH AMELOGENESIS IMPERFECTA; Tooth agenesis, selective, 6; Dental anomalies and short stature. Identifiers: Orphanet 2899, MedGen C1832594, MONDO:0011018, OMIM 601216. Disease mechanism: loss of function.

gnomAD v4.1: 1 of 1,613,612 alleles (0.000062%); no homozygotes.

Submission:

Labcorp Genetics (formerly Invitae), Labcorp
Classification: Uncertain significance for Brachyolmia-amelogenesis imperfecta syndrome. Last evaluated: 2023-06-14. Review status: criteria provided, single submitter. Criteria: Invitae Variant Classification Sherloc (09022015). Collection method: clinical testing. Allele origin: germline.
Comment: This sequence change replaces aspartic acid, which is acidic and polar, with asparagine, which is neutral and polar, at codon 973 of the LTBP3 protein (p.Asp973Asn). This variant is not present in population databases (gnomAD no frequency). This variant has not been reported in the literature in individuals affected with LTBP3-related conditions. An algorithm developed to predict the effect of missense changes on protein structure and function (PolyPhen-2) suggests that this variant is likely to be disruptive. In summary, the available evidence is currently insufficient to determine the role of this variant in disease. Therefore, it has been classified as a Variant of Uncertain Significance.